The following is an entry in ClinVar:

NM_015259.6(ICOSLG):c.263C>T (p.Pro88Leu)

Gene: ICOSLG (inducible T cell costimulator ligand; minus strand). Cytogenetic location: 21q22.3.
Variant type: single nucleotide variant.
Coding change: c.263C>T on transcript NM_015259.6 (MANE Select); coding-DNA position 263, C replaced by T.
Protein change: p.Pro88Leu; replaces proline 88 with leucine.
Molecular consequence: missense variant. On other transcripts: intron variant (1).
Genome position (GRCh38, 1-based): chr21:44,237,010, G>A on the plus strand (C>T on the coding strand, the complement: ICOSLG is on the minus strand). VCF-style: chr21-44237010-G-A. GRCh37 (hg19) VCF-style: chr21-45656893-G-A.
Other names: c.263C>T (NM_015259.4); c.263C>T, p.Pro88Leu (NM_001283050.2); c.8C>T, p.Pro3Leu (NM_001283052.2); c.182C>T, p.Pro61Leu (NM_001365759.2); c.55+1438C>T (NM_001283051.2); short protein forms P61L, P88L, P3L.
Identifiers: ClinVar variation 1493166 (VCV001493166.7), dbSNP rs764347085, ClinGen allele CA321498257.

ClinVar aggregate classification (germline): Conflicting classifications of pathogenicity. Review status: criteria provided, conflicting classifications (1 of 4 stars). 2 submissions from 2 submitters: Uncertain significance (1); Likely benign (1). Last evaluated 2025-08-09.

Allele frequency attached by ClinVar (database versions not stated): ExAC 0.00005; gnomAD exomes 0.00007.

Submissions (2):

Ambry Genetics
Classification: Likely benign. Last evaluated: 2025-08-09. Review status: criteria provided, single submitter. Criteria: Ambry Variant Classification Scheme 2023. Collection method: clinical testing. Allele origin: germline.

Labcorp Genetics (formerly Invitae), Labcorp
Classification: Uncertain significance. Last evaluated: 2025-06-15. Review status: criteria provided, single submitter. Criteria: Invitae Variant Classification Sherloc (09022015). Collection method: clinical testing. Allele origin: germline.
Comment: This sequence change replaces proline, which is neutral and non-polar, with leucine, which is neutral and non-polar, at codon 88 of the ICOSLG protein (p.Pro88Leu). This variant is present in population databases (rs764347085, gnomAD 0.05%). This variant has not been reported in the literature in individuals affected with ICOSLG-related conditions. ClinVar contains an entry for this variant (Variation ID: 1493166). An algorithm developed to predict the effect of missense changes on protein structure and function outputs the following: PolyPhen-2: "Benign". The leucine amino acid residue is found in multiple mammalian species, which suggests that this missense change does not adversely affect protein function. In summary, the available evidence is currently insufficient to determine the role of this variant in disease. Therefore, it has been classified as a Variant of Uncertain Significance.